The following is an entry in ClinVar:

NM_001605.3(AARS1):c.343del (p.Cys115fs)

Gene: AARS1 (alanyl-tRNA synthetase 1; minus strand). Cytogenetic location: 16q22.1.
Variant type: Deletion.
Coding change: c.343del on transcript NM_001605.3 (MANE Select); coding-DNA position 343, one base deleted (T; older notation c.343delT).
Protein change: p.Cys115fs; shifts the reading frame from cysteine 115.
Molecular consequence: frameshift variant.
Genome position (GRCh38, 1-based): chr16:70,276,622, A deleted on the plus strand (T on the coding strand, the reverse complement: AARS1 is on the minus strand). VCF-style (leftmost placement, unchanged base first): chr16-70276621-CA-C. GRCh37 (hg19) VCF-style: chr16-70310524-CA-C.
Other names: short protein forms C115fs.
Identifiers: ClinVar variation 1800435 (VCV001800435.2), dbSNP rs2507028759, ClinGen allele CA2580091895.

ClinVar aggregate classification (germline): Uncertain significance (1 of 4 stars; one submission).

Conditions:
Inborn genetic diseases. Identifiers: MedGen C0950123, MeSH D030342.

Allele frequency attached by ClinVar (database versions not stated): gnomAD exomes below 0.00001.

Submission:

Ambry Genetics
Classification: Uncertain significance for Inborn genetic diseases. Last evaluated: 2019-11-11. Review status: criteria provided, single submitter. Criteria: Ambry Variant Classification Scheme 2023. Collection method: clinical testing. Allele origin: germline.
Comment: The c.343delT pathogenic mutation, located in coding exon 3 of the AARS gene, results from a deletion of one nucleotide at nucleotide position 343, causing a translational frameshift with a predicted alternate stop codon (p.C115Vfs*32). This alteration is expected to result in loss of function by premature protein truncation or nonsense-mediated mRNA decay. However, loss of function of AARS has not been clearly established as a mechanism of disease. Since supporting evidence is limited at this time, the clinical significance of this alteration remains unclear.